The following is an entry in ClinVar:

NM_001267550.2(TTN):c.92603G>A (p.Trp30868Ter)

Genes: TTN (titin; minus strand), TTN-AS1 (TTN antisense RNA 1; plus strand). Cytogenetic location: 2q31.2.
Variant type: single nucleotide variant.
Coding change: c.92603G>A on transcript NM_001267550.2 (MANE Select); coding-DNA position 92603, G replaced by A.
Protein change: p.Trp30868Ter; replaces tryptophan 30868 with a stop codon.
Molecular consequence: nonsense.
Genome position (GRCh38, 1-based): chr2:178,549,023, C>T on the plus strand (G>A on the coding strand, the complement: TTN is on the minus strand). VCF-style: chr2-178549023-C-T. GRCh37 (hg19) VCF-style: chr2-179413750-C-T.
Other names: c.87680G>A, p.Trp29227Ter (NM_001256850.1); c.65408G>A, p.Trp21803Ter (NM_003319.4); c.84899G>A, p.Trp28300Ter (NM_133378.4); c.65783G>A, p.Trp21928Ter (NM_133432.3); c.65984G>A, p.Trp21995Ter (NM_133437.4); short protein forms W21928*, W29227*, W30868*, W21803*, W21995*, W28300*.
Identifiers: ClinVar variation 1469822 (VCV001469822.6), dbSNP rs2154147843, ClinGen allele CA349492504.

ClinVar aggregate classification (germline): Likely pathogenic (1 of 4 stars; one submission).

Conditions:
Dilated cardiomyopathy 1G (CMD1G). Identifiers: Orphanet 154, MedGen C1858763, MONDO:0011400, OMIM 604145.
Autosomal recessive limb-girdle muscular dystrophy type 2J (LGMDR10). Also called: Limb-girdle muscular dystrophy, type 2J; MUSCULAR DYSTROPHY, LIMB-GIRDLE, AUTOSOMAL RECESSIVE 10. Identifiers: Orphanet 140922, MedGen C1837342, MONDO:0012127, OMIM 608807.

gnomAD v4.1: 1 of 1,613,906 alleles (0.000062%); highest among the groups gnomAD compares: Non-Finnish European, 0.000085%; no homozygotes.

Submission:

Labcorp Genetics (formerly Invitae), Labcorp
Classification: Likely pathogenic for Dilated cardiomyopathy 1G; Autosomal recessive limb-girdle muscular dystrophy type 2J. Last evaluated: 2025-11-12. Review status: criteria provided, single submitter. Criteria: Invitae Variant Classification Sherloc (09022015). Collection method: clinical testing. Allele origin: germline.
Comment: This sequence change creates a premature translational stop signal (p.Trp30868*) in the TTN gene. While this is not anticipated to result in nonsense mediated decay, it is expected to create a truncated TTN protein. This variant is not present in population databases (gnomAD no frequency). This premature translational stop signal has been observed in individual(s) with TTN-related conditions (PMID: 39180762, 39844436). ClinVar contains an entry for this variant (Variation ID: 1469822). This variant is located in the A band of TTN (PMID: 25589632). Truncating variants in this region are significantly overrepresented in patients affected with dilated cardiomyopathy (PMID: 25589632). Truncating variants in this region have also been reported in individuals affected with autosomal recessive centronuclear myopathy (PMID: 23975875). In summary, the currently available evidence indicates that the variant is pathogenic, but additional data are needed to prove that conclusively. Therefore, this variant has been classified as Likely Pathogenic.

Literature cited by the submitters: PubMed 39180762; PubMed 39844436; PubMed 25589632; PubMed 23975875.